The following is an entry in ClinVar:

NM_001367624.2(ZNF469):c.9398A>G (p.His3133Arg)

Gene: ZNF469 (zinc finger protein 469; plus strand). Cytogenetic location: 16q24.2.
Variant type: single nucleotide variant.
Coding change: c.9398A>G on transcript NM_001367624.2 (MANE Select); coding-DNA position 9398, A replaced by G.
Protein change: p.His3133Arg; replaces histidine 3133 with arginine.
Molecular consequence: missense variant.
Genome position (GRCh38, 1-based): chr16:88,436,868, A>G. VCF-style: chr16-88436868-A-G. GRCh37 (hg19) VCF-style: chr16-88503276-A-G.
Other names: NM_001127464.1:c.9314A>G; short protein forms H3133R.
Identifiers: ClinVar variation 1766551 (VCV001766551.2), dbSNP rs1906617547, ClinGen allele CA397122133.

ClinVar aggregate classification (germline): Uncertain significance (1 of 4 stars; one submission).

Conditions:
Cardiovascular phenotype. Identifiers: MedGen CN230736.

Allele frequency attached by ClinVar (database versions not stated): gnomAD 0.00001.

Submission:

Ambry Genetics
Classification: Uncertain significance for Cardiovascular phenotype. Last evaluated: 2021-10-11. Review status: criteria provided, single submitter. Criteria: Ambry Variant Classification Scheme 2023. Collection method: clinical testing. Allele origin: germline.
Comment: The p.H3105R variant (also known as c.9314A>G), located in coding exon 2 of the ZNF469 gene, results from an A to G substitution at nucleotide position 9314. The histidine at codon 3105 is replaced by arginine, an amino acid with highly similar properties. This amino acid position is conserved. In addition, the in silico prediction for this alteration is inconclusive. Since supporting evidence is limited at this time, the clinical significance of this alteration remains unclear.